The following is an entry in ClinVar:

NM_001105206.3(LAMA4):c.2056+194del

Gene: LAMA4 (laminin subunit alpha 4; minus strand). Cytogenetic location: 6q21.
Variant type: Deletion.
Coding change: c.2056+194del on transcript NM_001105206.3 (MANE Select); 194 bases into the intron after coding-DNA position 2056, one base deleted (A; older notation c.2056+194delA).
Molecular consequence: intron variant.
Genome position (GRCh38, 1-based): chr6:112,154,657, T deleted on the plus strand (A on the coding strand, the reverse complement: LAMA4 is on the minus strand); the first of 10 consecutive T bases (chr6:112,154,657-112,154,666); deleting any one gives the same sequence. VCF-style (leftmost placement, unchanged base first): chr6-112154656-AT-A. GRCh37 (hg19) VCF-style: chr6-112475858-AT-A.
Other names: c.2035+194del (NM_002290.5, NM_001105207.3).
Identifiers: ClinVar variation 674604 (VCV000674604.1), dbSNP rs11332305, ClinGen allele CA144870026.

ClinVar aggregate classification (germline): Benign (1 of 4 stars; one submission).

Submission:

GeneDx
Classification: Benign. Last evaluated: 2018-06-19. Review status: criteria provided, single submitter. Criteria: GeneDx Variant Classification (06012015). Collection method: clinical testing. Allele origin: germline. Affected: yes.
Comment: This variant is considered likely benign or benign based on one or more of the following criteria: it is a conservative change, it occurs at a poorly conserved position in the protein, it is predicted to be benign by multiple in silico algorithms, and/or has population frequency not consistent with disease.